The following is an entry in ClinVar:

ClinVar aggregate classification (germline): Uncertain significance (1 of 4 stars; one submission).

Allele frequency attached by ClinVar (database versions not stated): TOPMed 0.00001.

Submission:

Labcorp Genetics (formerly Invitae), Labcorp
Classification: Uncertain significance. Last evaluated: 2022-09-21. Review status: criteria provided, single submitter. Criteria: Invitae Variant Classification Sherloc (09022015). Collection method: clinical testing. Allele origin: germline.
Comment: This variant has not been reported in the literature in individuals affected with DDX58-related conditions. In summary, the available evidence is currently insufficient to determine the role of this variant in disease. Therefore, it has been classified as a Variant of Uncertain Significance. This variant is not present in population databases (gnomAD no frequency). This sequence change creates a premature translational stop signal (p.Ser274Tyrfs*73) in the DDX58 gene. It is expected to result in an absent or disrupted protein product. However, the current clinical and genetic evidence is not sufficient to establish whether loss-of-function variants in DDX58 cause disease.

NM_014314.4(RIGI):c.821del (p.Ser274fs)

Gene: RIGI (RNA sensor RIG-I; minus strand). Cytogenetic location: 9p21.1.
Variant type: Deletion.
Coding change: c.821del on transcript NM_014314.4 (MANE Select); coding-DNA position 821, one base deleted (C; older notation c.821delC).
Protein change: p.Ser274fs; shifts the reading frame from serine 274.
Molecular consequence: frameshift variant.
Genome position (GRCh38, 1-based): chr9:32,488,866, G deleted on the plus strand (C on the coding strand, the reverse complement: RIGI is on the minus strand). VCF-style (leftmost placement, unchanged base first): chr9-32488865-TG-T. GRCh37 (hg19) VCF-style: chr9-32488863-TG-T.
Other names: c.821del, p.Ser274fs (NM_001385907.1, NM_001385909.1); c.380del, p.Ser127fs (NM_001385910.1); c.212del, p.Ser71fs (NM_001385912.1); c.806del, p.Ser269fs (NM_001385913.1); c.377del, p.Ser126fs (NM_001385914.1); short protein forms S71fs, S127fs, S269fs, S274fs, S126fs.
Identifiers: ClinVar variation 1986436 (VCV001986436.4), dbSNP rs1824012124, ClinGen allele CA1844662356.
Genomic context (GRCh38, chr9:32,488,865, plus strand): 5'-GACAACTTTCCCCTTTTGTCCTTGTGGGAATTTTTTAAGATGATGTTCACATATAAGCAG[TG>T]AAACAAAGGTTTTTCCACAACCTTTTAACATGTAAGGAAAAAAGAAAACATGTAACTCAT-3'